The following is an entry in ClinVar:

ClinVar aggregate classification (germline): Pathogenic. Review status: reviewed by expert panel (3 of 4 stars). 2 submissions from 2 submitters: Pathogenic (1). 1 of the submissions does not count toward it. Last evaluated 2016-10-18.

Conditions:
Breast-ovarian cancer, familial, susceptibility to, 1 (BROVCA1). Also called: OVARIAN CANCER, SUSCEPTIBILITY TO; BRCA1 Hereditary Breast and Ovarian Cancer. Identifiers: Orphanet 145, MedGen C2676676, MONDO:0011450, OMIM 604370. Disease mechanism: loss of function.

Submissions (2):

Evidence-based Network for the Interpretation of Germline Mutant Alleles (ENIGMA)
Classification: Pathogenic for Breast-ovarian cancer, familial, susceptibility to, 1. Last evaluated: 2016-10-18. Review status: reviewed by expert panel. Criteria: ENIGMA BRCA1/2 Classification Criteria (2015). Collection method: curation. Allele origin: germline.
Comment: Variant allele predicted to encode a truncated non-functional protein.

Consortium of Investigators of Modifiers of BRCA1/2 (CIMBA), c/o University of Cambridge
Classification: Pathogenic for Breast-ovarian cancer, familial, susceptibility to, 1. Last evaluated: 2015-10-02. Review status: criteria provided, single submitter. Criteria: CIMBA Mutation Classification guidelines May 2016. Collection method: clinical testing. Allele origin: germline. Not counted in ClinVar's aggregate classification.

NM_007294.4(BRCA1):c.2434A>T (p.Lys812Ter)

Gene: BRCA1 (BRCA1 DNA repair associated; minus strand). Cytogenetic location: 17q21.31.
Variant type: single nucleotide variant.
Coding change: c.2434A>T on transcript NM_007294.4 (MANE Select); coding-DNA position 2434, A replaced by T.
Protein change: p.Lys812Ter; replaces lysine 812 with a stop codon.
Molecular consequence: nonsense. On other transcripts: intron variant (137).
Genome position (GRCh38, 1-based): chr17:43,093,097, T>A on the plus strand (A>T on the coding strand, the complement: BRCA1 is on the minus strand). VCF-style: chr17-43093097-T-A. GRCh37 (hg19) VCF-style: chr17-41245114-T-A.
Other names: 2553A>T-Lys812ter; c.787+1647A>T (NM_001407978.1, NM_001407979.1, NM_001407977.1 and 17 more transcripts); c.643+1647A>T (NM_001408462.1, NM_001408470.1, NM_001408464.1 and 3 more transcripts); c.709+1647A>T (NM_001408414.1, NM_001408411.1, NM_001408415.1 and 2 more transcripts); c.577+1647A>T (NM_001408514.1, NM_001408485.1, NM_001408483.1 and 9 more transcripts); c.661+1647A>T (NM_001408447.1, NM_001408433.1, NM_001408446.1 and 6 more transcripts); c.784+1647A>T (NM_001408400.1, NM_001408392.1, NM_001407986.1 and 13 more transcripts); c.664+1647A>T (NM_001408441.1, NM_001408437.1, NM_001408429.1 and 12 more transcripts); and 42 more; short protein forms K812*, K765*, K516*, K644*, K724*, K764*, K771*, K811*.
Identifiers: ClinVar variation 54569 (VCV000054569.7), dbSNP rs397508968, ClinGen allele CA001625.
Genomic context (GRCh38, chr17:43,093,097, plus strand): 5'-GATACTTAAAGCCTTCTGTGTCATTTCTATTATCTTTGGAACAACCATGAATTAGTCCCT[T>A]GGGGTTTTCAAATGCTGCACACTGACTCACACATTTATTTGGTTCTGTTTTTGCCTTCCC-3'